The following is an entry in ClinVar:

NM_017780.4(CHD7):c.2908G>T (p.Glu970Ter)

Gene: CHD7 (chromodomain helicase DNA binding protein 7; plus strand). Cytogenetic location: 8q12.2.
Variant type: single nucleotide variant.
Coding change: c.2908G>T on transcript NM_017780.4 (MANE Select); coding-DNA position 2908, G replaced by T.
Protein change: p.Glu970Ter; replaces glutamic acid 970 with a stop codon.
Molecular consequence: nonsense. On other transcripts: intron variant (1).
Genome position (GRCh38, 1-based): chr8:60,822,096, G>T. VCF-style: chr8-60822096-G-T. GRCh37 (hg19) VCF-style: chr8-61734655-G-T.
Other names: c.1717-40133G>T (NM_001316690.1); short protein forms E970*.
Identifiers: ClinVar variation 2982278 (VCV002982278.3), dbSNP rs2487807451, ClinGen allele CA371308497.

ClinVar aggregate classification (germline): Pathogenic (1 of 4 stars; one submission).

Conditions:
CHARGE syndrome (CHARGE). Also called: Hittner Hirsch Kreh syndrome; CHARGE ASSOCIATION--COLOBOMA, HEART ANOMALY, CHOANAL ATRESIA, RETARDATION, GENITAL AND EAR ANOMALIES; Coloboma, heart anomaly, choanal atresia, retardation, genital and ear anomalies; CHARGE association; Hall-Hittner syndrome. Identifiers: Orphanet 138, MedGen C0265354, MONDO:0008965.

Submission:

Labcorp Genetics (formerly Invitae), Labcorp
Classification: Pathogenic for CHARGE syndrome. Last evaluated: 2023-07-18. Review status: criteria provided, single submitter. Criteria: Invitae Variant Classification Sherloc (09022015). Collection method: clinical testing. Allele origin: germline.
Comment: This sequence change creates a premature translational stop signal (p.Glu970*) in the CHD7 gene. It is expected to result in an absent or disrupted protein product. Loss-of-function variants in CHD7 are known to be pathogenic (PMID: 22461308, 25077900). This variant is not present in population databases (gnomAD no frequency). This premature translational stop signal has been observed in individual(s) with CHD7-related conditions (PMID: 31130284). Algorithms developed to predict the effect of sequence changes on RNA splicing suggest that this variant may disrupt the consensus splice site. For these reasons, this variant has been classified as Pathogenic.

Literature cited by the submitters: PubMed 22461308; PubMed 25077900; PubMed 31130284.